The following is an entry in ClinVar:

ClinVar aggregate classification (germline): Uncertain significance. Review status: criteria provided, multiple submitters, no conflicts (2 of 4 stars). 3 submissions from 3 submitters: Uncertain significance (3). Last evaluated 2025-07-29.

Conditions:
Wilson disease (WND). Also called: Wilson's disease. Identifiers: Orphanet 905, MedGen C0019202, MONDO:0010200, OMIM 277900. Disease mechanism: loss of function.

Allele frequency attached by ClinVar (database versions not stated): TOPMed below 0.00001; ExAC 0.00001; gnomAD exomes 0.00001.
gnomAD v4.1: 15 of 1,614,168 alleles (0.00093%); highest among the groups gnomAD compares: South Asian, 0.0022%; no homozygotes.

Submissions (3):

Color Diagnostics, LLC DBA Color Health
Classification: Uncertain significance for Wilson disease. Last evaluated: 2025-07-29. Review status: criteria provided, single submitter. Criteria: ACMG Guidelines, 2015. Collection method: clinical testing. Allele origin: germline.
Comment: This missense variant replaces valine with isoleucine at codon 805 of the ATP7B protein. Computational prediction suggests that this variant may not impact protein structure and function. To our knowledge, functional studies have not been reported for this variant. This variant has not been reported in individuals affected with Wilson disease in the literature. This variant has been identified in 2/249580 chromosomes in the general population by the Genome Aggregation Database (gnomAD). The available evidence is insufficient to determine the role of this variant in disease conclusively. Therefore, this variant is classified as a Variant of Uncertain Significance.

Labcorp Genetics (formerly Invitae), Labcorp
Classification: Uncertain significance for Wilson disease. Last evaluated: 2025-01-15. Review status: criteria provided, single submitter. Criteria: Invitae Variant Classification Sherloc (09022015). Collection method: clinical testing. Allele origin: germline.
Comment: This sequence change replaces valine, which is neutral and non-polar, with isoleucine, which is neutral and non-polar, at codon 805 of the ATP7B protein (p.Val805Ile). This variant is present in population databases (rs761258963, gnomAD 0.007%). This variant has not been reported in the literature in individuals affected with ATP7B-related conditions. ClinVar contains an entry for this variant (Variation ID: 2147919). Invitae Evidence Modeling of protein sequence and biophysical properties (such as structural, functional, and spatial information, amino acid conservation, physicochemical variation, residue mobility, and thermodynamic stability) indicates that this missense variant is not expected to disrupt ATP7B protein function with a negative predictive value of 95%. In summary, the available evidence is currently insufficient to determine the role of this variant in disease. Therefore, it has been classified as a Variant of Uncertain Significance.

All of Us Research Program, National Institutes of Health
Classification: Uncertain significance for Wilson disease. Last evaluated: 2023-12-13. Review status: criteria provided, single submitter. Criteria: ACMG Guidelines, 2015. Collection method: clinical testing. Allele origin: germline. Inheritance: Autosomal recessive inheritance. Observed: 6 variant alleles, 6 heterozygotes.
Comment: This missense variant replaces valine with isoleucine at codon 805 of the ATP7B protein. Computational prediction suggests that this variant may not impact protein structure and function (internally defined REVEL score threshold <= 0.5, PMID: 27666373). To our knowledge, functional studies have not been reported for this variant. This variant has not been reported in individuals affected with Wilson disease in the literature. This variant has been identified in 2/249580 chromosomes in the general population by the Genome Aggregation Database (gnomAD). The available evidence is insufficient to determine the role of this variant in disease conclusively. Therefore, this variant is classified as a Variant of Uncertain Significance.

This study involves interpretation of variants in research participants for the purpose of population health screening. Participant phenotype was not available at the time of variant classification. Additional details can be found in publication PMID: 35346344, PMCID: PMC8962531

NM_000053.4(ATP7B):c.2413G>A (p.Val805Ile)

Gene: ATP7B (ATPase copper transporting beta; minus strand). Cytogenetic location: 13q14.3.
Variant type: single nucleotide variant.
Coding change: c.2413G>A on transcript NM_000053.4 (MANE Select); coding-DNA position 2413, G replaced by A.
Protein change: p.Val805Ile; replaces valine 805 with isoleucine.
Molecular consequence: missense variant.
Genome position (GRCh38, 1-based): chr13:51,957,550, C>T on the plus strand (G>A on the coding strand, the complement: ATP7B is on the minus strand). VCF-style: chr13-51957550-C-T. GRCh37 (hg19) VCF-style: chr13-52531686-C-T.
Other names: c.1927G>A, p.Val643Ile (NM_001005918.3, NM_001406541.1, NM_001406542.1 and 1 more transcripts); c.2080G>A, p.Val694Ile (NM_001243182.2); c.2179G>A, p.Val727Ile (NM_001330578.2, NM_001406527.1, NM_001406528.1 and 2 more transcripts); c.2161G>A, p.Val721Ile (NM_001330579.2, NM_001406531.1, NM_001406532.1 and 1 more transcripts); c.2413G>A, p.Val805Ile (NM_001406511.1, NM_001406512.1, NM_001406513.1 and 7 more transcripts); c.2380G>A, p.Val794Ile (NM_001406514.1); c.2173G>A, p.Val725Ile (NM_001406530.1); c.2083G>A, p.Val695Ile (NM_001406536.1); and 7 more; short protein forms V694I, V757I, V794I, V611I, V805I, V589I, V643I, V662I.
Identifiers: ClinVar variation 2147919 (VCV002147919.4), dbSNP rs761258963, ClinGen allele CA6989034.